The following is an entry in ClinVar:

ClinVar aggregate classification (germline): Uncertain significance (1 of 4 stars; one submission).

Submission:

Ambry Genetics
Classification: Uncertain significance. Last evaluated: 2025-02-15. Review status: criteria provided, single submitter. Criteria: Ambry Variant Classification Scheme 2023. Collection method: clinical testing. Allele origin: germline.
Comment: The p.D734E variant (also known as c.2202C>G), located in coding exon 12 of the ATRIP gene, results from a C to G substitution at nucleotide position 2202. The aspartic acid at codon 734 is replaced by glutamic acid, an amino acid with highly similar properties. This amino acid position is conserved. In addition, the in silico prediction for this alteration is inconclusive. Based on the available evidence, the clinical significance of this variant remains unclear.

NM_130384.3(ATRIP):c.2202C>G (p.Asp734Glu)

Genes: ATRIP (ATR interacting protein; plus strand), ATRIP-TREX1 (ATRIP-TREX1 readthrough; plus strand). Cytogenetic location: 3p21.31.
Variant type: single nucleotide variant.
Coding change: c.2202C>G on transcript NM_130384.3 (MANE Select); coding-DNA position 2202, C replaced by G.
Protein change: p.Asp734Glu; replaces aspartic acid 734 with glutamic acid.
Molecular consequence: missense variant. On other transcripts: non-coding transcript variant (1).
Genome position (GRCh38, 1-based): chr3:48,464,977, C>G. VCF-style: chr3-48464977-C-G. GRCh37 (hg19) VCF-style: chr3-48506376-C-G.
Other names: c.1821C>G, p.Asp607Glu (NM_001271022.2); c.1923C>G, p.Asp641Glu (NM_001271023.2); c.2121C>G, p.Asp707Glu (NM_032166.4); short protein forms D607E, D641E, D707E, D734E.
Identifiers: ClinVar variation 3810801 (VCV003810801.1).